The following is an entry in ClinVar:

NM_005120.3(MED12):c.5497A>C (p.Asn1833His)

Gene: MED12 (mediator complex subunit 12; plus strand). Cytogenetic location: Xq13.1.
Variant type: single nucleotide variant.
Coding change: c.5497A>C on transcript NM_005120.3 (MANE Select); coding-DNA position 5497, A replaced by C.
Protein change: p.Asn1833His; replaces asparagine 1833 with histidine.
Molecular consequence: missense variant.
Genome position (GRCh38, 1-based): chrX:71,136,975, A>C. VCF-style: chrX-71136975-A-C. GRCh37 (hg19) VCF-style: chrX-70356825-A-C.
Other names: short protein forms N1833H.
Identifiers: ClinVar variation 2124425 (VCV002124425.4), dbSNP rs2519713255, ClinGen allele CA413536008.

ClinVar aggregate classification (germline): Uncertain significance (1 of 4 stars; one submission).

Conditions:
FG syndrome (FGS). Identifiers: MedGen C0220769, MONDO:0002010.

Submission:

Labcorp Genetics (formerly Invitae), Labcorp
Classification: Uncertain significance for FG syndrome. Last evaluated: 2022-04-10. Review status: criteria provided, single submitter. Criteria: Invitae Variant Classification Sherloc (09022015). Collection method: clinical testing. Allele origin: germline.
Comment: This sequence change replaces asparagine, which is neutral and polar, with histidine, which is basic and polar, at codon 1833 of the MED12 protein (p.Asn1833His). This variant is not present in population databases (gnomAD no frequency). This variant has not been reported in the literature in individuals affected with MED12-related conditions. Advanced modeling of protein sequence and biophysical properties (such as structural, functional, and spatial information, amino acid conservation, physicochemical variation, residue mobility, and thermodynamic stability) performed at Invitae indicates that this missense variant is not expected to disrupt MED12 protein function. In summary, the available evidence is currently insufficient to determine the role of this variant in disease. Therefore, it has been classified as a Variant of Uncertain Significance.